The following is an entry in ClinVar:

NM_000173.7(GP1BA):c.1478A>G (p.Lys493Arg)

Gene: GP1BA (glycoprotein Ib platelet subunit alpha; plus strand). Cytogenetic location: 17p13.2.
Variant type: single nucleotide variant.
Coding change: c.1478A>G on transcript NM_000173.7 (MANE Select); coding-DNA position 1478, A replaced by G.
Protein change: p.Lys493Arg; replaces lysine 493 with arginine.
Molecular consequence: missense variant.
Genome position (GRCh38, 1-based): chr17:4,934,082, A>G. VCF-style: chr17-4934082-A-G. GRCh37 (hg19) VCF-style: chr17-4837377-A-G.
Other names: short protein forms K493R.
Identifiers: ClinVar variation 3709279 (VCV003709279.2).

ClinVar aggregate classification (germline): Uncertain significance (1 of 4 stars; one submission).

gnomAD v4.1: 1 of 1,613,692 alleles (0.000062%); highest among the groups gnomAD compares: Non-Finnish European, 0.000085%; no homozygotes.

Submission:

Labcorp Genetics (formerly Invitae), Labcorp
Classification: Uncertain significance. Last evaluated: 2024-10-03. Review status: criteria provided, single submitter. Criteria: Invitae Variant Classification Sherloc (09022015). Collection method: clinical testing. Allele origin: germline.
Comment: This sequence change replaces lysine, which is basic and polar, with arginine, which is basic and polar, at codon 493 of the GP1BA protein (p.Lys493Arg). This variant is not present in population databases (gnomAD no frequency). This variant has not been reported in the literature in individuals affected with GP1BA-related conditions. Invitae Evidence Modeling of protein sequence and biophysical properties (such as structural, functional, and spatial information, amino acid conservation, physicochemical variation, residue mobility, and thermodynamic stability) indicates that this missense variant is not expected to disrupt GP1BA protein function with a negative predictive value of 95%. In summary, the available evidence is currently insufficient to determine the role of this variant in disease. Therefore, it has been classified as a Variant of Uncertain Significance.